The following is an entry in ClinVar:

NM_001037.5(SCN1B):c.561C>T (p.Ala187=)

Gene: SCN1B (sodium voltage-gated channel beta subunit 1; plus strand). Cytogenetic location: 19q13.11.
Variant type: single nucleotide variant.
Coding change: c.561C>T on transcript NM_001037.5 (MANE Select); coding-DNA position 561, C replaced by T.
Protein change: p.Ala187=; no amino-acid change (alanine 187 retained).
Molecular consequence: synonymous variant.
Genome position (GRCh38, 1-based): chr19:35,039,229, C>T. VCF-style: chr19-35039229-C-T. GRCh37 (hg19) VCF-style: chr19-35530133-C-T.
Other names: p.A187A:GCC>GCT; c.462C>T, p.Ala154= (NM_001321605.2).
Identifiers: ClinVar variation 139004 (VCV000139004.18), dbSNP rs587781152, ClinGen allele CA293229.
Genomic context (GRCh38, chr19:35,039,229, plus strand): 5'-TGTGGTGTTGACCATATGGCTCGTGGCAGAGATGATTTACTGCTACAAGAAGATCGCTGC[C>T]GCCACGGAGACTGCTGCACAGGAGAATGCGTGAGTAGGGTGGCTGGGAGGTGGGAGGGCA-3'
Protein context (NP_001028.1, residues 177-197): EMIYCYKKIA[Ala187=]ATETAAQENA

ClinVar aggregate classification (germline): Conflicting classifications of pathogenicity. Review status: criteria provided, conflicting classifications (1 of 4 stars). 5 submissions from 5 submitters: Uncertain significance (1); Benign (2); Likely benign (2). Last evaluated 2026-09-01.

Conditions:
Cardiovascular phenotype. Identifiers: MedGen CN230736.
Brugada syndrome 5 (BRGDA5). Identifiers: Orphanet 130, Orphanet 871, MedGen C2748541, MONDO:0013015, OMIM 612838.

Allele frequency attached by ClinVar (database versions not stated): TOPMed 0.00013; ExAC 0.00023; gnomAD exomes 0.00031; gnomAD 0.00005.
gnomAD v4.1: 109 of 1,613,962 alleles (0.0068%); highest among the groups gnomAD compares: Admixed American, 0.15%; no homozygotes.

Submissions (5):

CeGaT Center for Human Genetics Tuebingen
Classification: Likely benign. Last evaluated: 2026-09-01. Review status: criteria provided, single submitter. Criteria: CeGaT Center For Human Genetics Tuebingen Variant Classification Criteria Version 2. Collection method: clinical testing. Allele origin: germline. Affected: yes. Observed: 1 variant allele.
Comment: SCN1B: BP4, BP7

Labcorp Genetics (formerly Invitae), Labcorp
Classification: Benign for Brugada syndrome 5. Last evaluated: 2026-01-26. Review status: criteria provided, single submitter. Criteria: Invitae Variant Classification Sherloc (09022015). Collection method: clinical testing. Allele origin: germline.

Ambry Genetics
Classification: Likely benign for Cardiovascular phenotype. Last evaluated: 2018-09-29. Review status: criteria provided, single submitter. Criteria: Ambry Variant Classification Scheme 2023. Collection method: clinical testing. Allele origin: germline.

Eurofins Ntd Llc (ga)
Classification: Uncertain significance. Last evaluated: 2017-11-15. Review status: criteria provided, single submitter. Criteria: EGL Classification Definitions 2015. Collection method: clinical testing. Allele origin: germline. Observed: 1 variant allele, 1 heterozygote.

GeneDx
Classification: Benign. Last evaluated: 2014-03-21. Review status: criteria provided, single submitter. Criteria: GeneDx Variant Classification (06012015). Collection method: clinical testing. Allele origin: germline. Affected: yes.
Comment: This variant is considered likely benign or benign based on one or more of the following criteria: it is a conservative change, it occurs at a poorly conserved position in the protein, it is predicted to be benign by multiple in silico algorithms, and/or has population frequency not consistent with disease.